The following is an entry in ClinVar:

NM_000231.3(SGCG):c.505+15G>A

Gene: SGCG (sarcoglycan gamma; plus strand). Cytogenetic location: 13q12.12.
Variant type: single nucleotide variant.
Coding change: c.505+15G>A on transcript NM_000231.3 (MANE Select); 15 bases into the intron after coding-DNA position 505, G replaced by A.
Molecular consequence: intron variant.
Genome position (GRCh38, 1-based): chr13:23,279,493, G>A. VCF-style: chr13-23279493-G-A. GRCh37 (hg19) VCF-style: chr13-23853632-G-A.
Other names: c.559+15G>A (NM_001378244.1); c.505+15G>A (NM_001378245.1, NM_001378246.1).
Identifiers: ClinVar variation 510270 (VCV000510270.13), dbSNP rs144143366, ClinGen allele CA6909705.

ClinVar aggregate classification (germline): Conflicting classifications of pathogenicity. Review status: criteria provided, conflicting classifications (1 of 4 stars). 4 submissions from 4 submitters: Uncertain significance (1); Benign (1); Likely benign (2). Last evaluated 2026-01-27.

Conditions:
Autosomal recessive limb-girdle muscular dystrophy type 2C (LGMDR5). Also called: MUSCULAR DYSTROPHY, LIMB-GIRDLE, AUTOSOMAL RECESSIVE 5; MUSCULAR DYSTROPHY, DUCHENNE-LIKE. Identifiers: Orphanet 353, MedGen C0410173, MONDO:0009677, OMIM 253700. Disease mechanism: Affects gamma-sarcoglycan and also disrupts the integrity of the entire sarcoglycan complex..
Sarcoglycanopathy. Identifiers: Orphanet 207052, MedGen C2936331, MONDO:0016140.

Allele frequency attached by ClinVar (database versions not stated): TOPMed 0.00043; gnomAD 0.00054; ESP Exome Variant Server 0.00062; 1000 Genomes Project 0.00100; 1000 Genomes Project 30x 0.00109.
gnomAD v4.1: 184 of 1,610,608 alleles (0.011%); highest among the groups gnomAD compares: African/African-American, 0.19%; no homozygotes.

Submissions (4):

Labcorp Genetics (formerly Invitae), Labcorp
Classification: Benign for Autosomal recessive limb-girdle muscular dystrophy type 2C. Last evaluated: 2026-01-27. Review status: criteria provided, single submitter. Criteria: Invitae Variant Classification Sherloc (09022015). Collection method: clinical testing. Allele origin: germline.

Blueprint Genetics
Classification: Likely benign. Last evaluated: 2023-06-01. Review status: criteria provided, single submitter. Criteria: ACMG Guidelines, 2015. Collection method: clinical testing. Allele origin: germline.

Illumina Laboratory Services, Illumina
Classification: Uncertain significance for Sarcoglycanopathy. Last evaluated: 2018-01-13. Review status: criteria provided, single submitter. Criteria: ICSL Variant Classification Criteria 13 December 2019. Collection method: clinical testing. Allele origin: germline.

GeneDx
Classification: Likely benign. Last evaluated: 2017-06-16. Review status: criteria provided, single submitter. Criteria: GeneDx Variant Classification (06012015). Collection method: clinical testing. Allele origin: germline. Affected: yes.
Comment: This variant is considered likely benign or benign based on one or more of the following criteria: it is a conservative change, it occurs at a poorly conserved position in the protein, it is predicted to be benign by multiple in silico algorithms, and/or has population frequency not consistent with disease.